The following is an entry in ClinVar:

NM_006939.4(SOS2):c.763G>C (p.Val255Leu)

Gene: SOS2 (SOS Ras/Rho guanine nucleotide exchange factor 2; minus strand). Cytogenetic location: 14q21.3.
Variant type: single nucleotide variant.
Coding change: c.763G>C on transcript NM_006939.4 (MANE Select); coding-DNA position 763, G replaced by C.
Protein change: p.Val255Leu; replaces valine 255 with leucine.
Molecular consequence: missense variant.
Genome position (GRCh38, 1-based): chr14:50,182,558, C>G on the plus strand (G>C on the coding strand, the complement: SOS2 is on the minus strand). VCF-style: chr14-50182558-C-G. GRCh37 (hg19) VCF-style: chr14-50649276-C-G.
Other names: c.763G>C, p.Val255Leu (NM_001411020.1); short protein forms V255L.
Identifiers: ClinVar variation 3350094 (VCV003350094.3).

ClinVar aggregate classification (germline): Uncertain significance. Review status: criteria provided, multiple submitters, no conflicts (2 of 4 stars). 2 submissions from 2 submitters: Uncertain significance (2). Last evaluated 2025-10-15.

Conditions:
SOS2-related disorder. Also called: SOS2-related condition.
Noonan syndrome 9 (NS9). Identifiers: Orphanet 648, MedGen C4225282, MONDO:0014691, OMIM 616559.

gnomAD v4.1: 1 of 1,607,540 alleles (0.000062%); highest among the groups gnomAD compares: Non-Finnish European, 0.000085%; no homozygotes.

Submissions (2):

Labcorp Genetics (formerly Invitae), Labcorp
Classification: Uncertain significance for Noonan syndrome 9. Last evaluated: 2025-10-15. Review status: criteria provided, single submitter. Criteria: Invitae Variant Classification Sherloc (09022015). Collection method: clinical testing. Allele origin: germline.
Comment: This sequence change replaces valine, which is neutral and non-polar, with leucine, which is neutral and non-polar, at codon 255 of the SOS2 protein (p.Val255Leu). This variant is not present in population databases (gnomAD no frequency). This variant has not been reported in the literature in individuals affected with SOS2-related conditions. ClinVar contains an entry for this variant (Variation ID: 3350094). Invitae Evidence Modeling of protein sequence and biophysical properties (such as structural, functional, and spatial information, amino acid conservation, physicochemical variation, residue mobility, and thermodynamic stability) indicates that this missense variant is not expected to disrupt SOS2 protein function with a negative predictive value of 95%. In summary, the available evidence is currently insufficient to determine the role of this variant in disease. Therefore, it has been classified as a Variant of Uncertain Significance.

PreventionGenetics, part of Exact Sciences
Classification: Uncertain significance for SOS2-related condition. Last evaluated: 2025-08-13. Review status: criteria provided, single submitter. Criteria: ACMG Guidelines, 2015. Collection method: clinical testing. Allele origin: germline.
Comment: The SOS2 c.763G>C variant is predicted to result in the amino acid substitution p.Val255Leu. To our knowledge, this variant has not been reported in the literature or in a large population database (gnomAD), indicating this variant is rare. At this time, the clinical significance of this variant is uncertain due to the absence of conclusive functional and genetic evidence.